The following is an entry in ClinVar:

ClinVar aggregate classification (germline): Pathogenic (1 of 4 stars; one submission).

Conditions:
Neuromuscular disease caused by qualitative or quantitative defects of dysferlin. Also called: Qualitative or quantitative defects of dysferlin; Dysferlinopathy. Identifiers: Orphanet 207073, MedGen C2931687, MONDO:0016145.

Submission:

Labcorp Genetics (formerly Invitae), Labcorp
Classification: Pathogenic for Neuromuscular disease caused by qualitative or quantitative defects of dysferlin. Last evaluated: 2023-04-04. Review status: criteria provided, single submitter. Criteria: Invitae Variant Classification Sherloc (09022015). Collection method: clinical testing. Allele origin: germline.
Comment: This sequence change affects an acceptor splice site in intron 32 of the DYSF gene. It is expected to disrupt RNA splicing. Variants that disrupt the donor or acceptor splice site typically lead to a loss of protein function (PMID: 16199547), and loss-of-function variants in DYSF are known to be pathogenic (PMID: 17698709, 20301480). This variant is not present in population databases (gnomAD no frequency). Disruption of this splice site has been observed in individual(s) with DYSF-related conditions (PMID: 27647186). ClinVar contains an entry for this variant (Variation ID: 949835). Algorithms developed to predict the effect of sequence changes on RNA splicing suggest that this variant may disrupt the consensus splice site. For these reasons, this variant has been classified as Pathogenic.

Literature cited by the submitters: PubMed 16199547; PubMed 17698709; PubMed 20301480; PubMed 27647186.

NM_001130987.2(DYSF):c.3575-1G>A

Gene: DYSF (dysferlin; plus strand). Cytogenetic location: 2p13.2.
Variant type: single nucleotide variant.
Coding change: c.3575-1G>A on transcript NM_001130987.2 (MANE Select); the canonical splice acceptor site of the intron before coding-DNA position 3575, G replaced by A.
Molecular consequence: splice acceptor variant.
Genome position (GRCh38, 1-based): chr2:71,598,563, G>A. VCF-style: chr2-71598563-G-A. GRCh37 (hg19) VCF-style: chr2-71825693-G-A.
Other names: c.3614-1G>A (NM_001130979.2); c.3572-1G>A (NM_001130981.2, NM_001130980.2); c.3521-1G>A (NM_001130978.2, NM_003494.4); c.3479-1G>A (NM_001130977.2, NM_001130976.2); c.3617-1G>A (NM_001130982.2); c.3575-1G>A (NM_001130985.2); c.3524-1G>A (NM_001130983.2, NM_001130455.2); c.3482-1G>A (NM_001130984.2, NM_001130986.2).
Identifiers: ClinVar variation 949835 (VCV000949835.10), dbSNP rs2093462674, ClinGen allele CA347223208.